The following is an entry in ClinVar:

ClinVar aggregate classification (germline): Likely pathogenic. Review status: criteria provided, single submitter (1 of 4 stars). 2 submissions from 2 submitters: Likely pathogenic (1). 1 of the submissions does not count toward it. Last evaluated 2024-04-29.

Conditions:
COL4A4-related disorder.
Autosomal recessive Alport syndrome (ATS2). Also called: Alport syndrome type 2; COL4A3-Related Nephropathy; COL4A4 Alport Syndrome and Thin Basement Membrane Nephropathy; ALPORT SYNDROME 2, AUTOSOMAL RECESSIVE. Identifiers: Orphanet 63, Orphanet 88919, MedGen C4746745, MONDO:0008762, OMIM 203780.
Hematuria, benign familial, 1 (BFH1). Also called: THIN MEMBRANE NEPHROPATHY. Identifiers: MedGen CN376803, MONDO:0007709, OMIM 141200.

Submissions (2):

Fulgent Genetics
Classification: Likely pathogenic for Hematuria, benign familial, 1; Autosomal recessive Alport syndrome. Last evaluated: 2024-04-29. Review status: criteria provided, single submitter. Criteria: ACMG Guidelines, 2015. Collection method: clinical testing. Allele origin: germline.

PreventionGenetics, part of Exact Sciences
Classification: Likely pathogenic for COL4A4-related condition. Last evaluated: 2023-11-28. Review status: no assertion criteria provided. Collection method: clinical testing. Allele origin: germline. Not counted in ClinVar's aggregate classification.
Comment: The COL4A4 c.3689G>C variant is predicted to result in the amino acid substitution p.Gly1230Ala. To our knowledge, this variant has not been reported in the literature or in a large population database, indicating this variant is rare. This variant affects a glycine (Gly) residue of the conserved triple helical domain (residues 65 – 1459) of the COL4A4 protein, where substitutions of the glycine (Gly) residue are usually pathogenic (Hudson et al. 1993. PubMed ID: 8253711). In the same exon (exon 39), substitutions of glycine (Gly), including a different change at the same codon (codon 1230), have been reported to be pathogenic for autosomal dominant COL4A4 nephropathy (see for example, p.Gly1216Ala at Sun et al. 2018. PubMed ID: 30076350, supplementary table 1; p.Gly1227Arg at Zamani et al. 2021. PubMed ID: 35373060; p.Gly1230Cys at Domingo-Gallego et al. 2021. PubMed ID: 33532864, Supplementary Table 2). In addition, at other glycine (Gly) residues within this domain, substitutions of a glycine (Gly) with an alanine (Ala) have been widely reported to be pathogenic for autosomal dominant COL4A4 nephropathy (see for example, p.Gly77Ala at Jayasinghe et al. 2021. PubMed ID: 32939031, Suppl. Table S2; p.Gly243Ala at Gribouval et al. 2018. PubMed ID: 30348286; p.Gly276Ala at Imafuku et al. 2017. PubMed ID: 28704582; p.Gly837Ala at Izumi et al. 2019. PubMed ID: 31677115; p.Gly1216Ala at Sun et al. 2018. PubMed ID: 30076350, supplementary table 1; p.Gly1392Ala at Groopman et al. 2019. PubMed ID: 30586318, Table S7). This variant is interpreted as likely pathogenic.

NM_000092.5(COL4A4):c.3689G>C (p.Gly1230Ala)

Gene: COL4A4 (collagen type IV alpha 4 chain; minus strand). Cytogenetic location: 2q36.3.
Variant type: single nucleotide variant.
Coding change: c.3689G>C on transcript NM_000092.5 (MANE Select); coding-DNA position 3689, G replaced by C.
Protein change: p.Gly1230Ala; replaces glycine 1230 with alanine.
Molecular consequence: missense variant.
Genome position (GRCh38, 1-based): chr2:227,032,165, C>G on the plus strand (G>C on the coding strand, the complement: COL4A4 is on the minus strand). VCF-style: chr2-227032165-C-G. GRCh37 (hg19) VCF-style: chr2-227896881-C-G.
Other names: short protein forms G1230A.
Identifiers: ClinVar variation 3037719 (VCV003037719.3), dbSNP rs1968566020, ClinGen allele CA350837753.
Genomic context (GRCh38, chr2:227,032,165, plus strand): 5'-TGGTTTAGTTATTGAAAGAAGGGCAAAGCATGCTACAGCTTACCTGGGGGTCCTGGGGGA[C>G]CTTTCTTTCCACGAGGACCTGGAGGAGAGATTCCTGGGCTCCCAGGGTCTCCTCTCTCCC-3'
Protein context (NP_000083.3, residues 1220-1240): ISPPGPRGKK[Gly1230Ala]PPGPPGSSGP